The following is an entry in ClinVar:

ClinVar aggregate classification (germline): Uncertain significance (1 of 4 stars; one submission).

Allele frequency attached by ClinVar (database versions not stated): gnomAD exomes below 0.00001; gnomAD 0.00001; ExAC 0.00003; 1000 Genomes Project 30x 0.00016; 1000 Genomes Project 0.00020.

Submission:

Women's Health and Genetics/Laboratory Corporation of America, LabCorp
Classification: Uncertain significance. Last evaluated: 2024-03-06. Review status: criteria provided, single submitter. Criteria: LabCorp Variant Classification Summary - May 2015. Collection method: clinical testing. Allele origin: germline.
Comment: Variant summary: ASXL3 c.67C>T (p.His23Tyr) results in a conservative amino acid change located in the ASXL, HARE-HTH domain (IPR007759) of the encoded protein sequence. Five of five in-silico tools predict a benign effect of the variant on protein function. The variant allele was found at a frequency of 9.6e-06 in 209390 control chromosomes. The available data on variant occurrences in the general population are insufficient to allow any conclusion about variant significance. To our knowledge, no occurrence of c.67C>T in individuals affected with Bainbridge-Ropers Syndrome and no experimental evidence demonstrating its impact on protein function have been reported. No submitters have cited clinical-significance assessments for this variant to ClinVar. Based on the evidence outlined above, the variant was classified as uncertain significance.

NM_030632.3(ASXL3):c.67C>T (p.His23Tyr)

Gene: ASXL3 (ASXL transcriptional regulator 3; plus strand). Cytogenetic location: 18q12.1.
Variant type: single nucleotide variant.
Coding change: c.67C>T on transcript NM_030632.3 (MANE Select); coding-DNA position 67, C replaced by T.
Protein change: p.His23Tyr; replaces histidine 23 with tyrosine.
Molecular consequence: missense variant.
Genome position (GRCh38, 1-based): chr18:33,607,606, C>T. VCF-style: chr18-33607606-C-T. GRCh37 (hg19) VCF-style: chr18-31187570-C-T.
Other names: short protein forms H23Y.
Identifiers: ClinVar variation 3233629 (VCV003233629.2), dbSNP rs555478574, ClinGen allele CA8933458.